The following is an entry in ClinVar:

ClinVar aggregate classification (germline): Uncertain significance (1 of 4 stars; one submission).

Allele frequency attached by ClinVar (database versions not stated): gnomAD exomes below 0.00001; gnomAD 0.00002.

Submission:

Labcorp Genetics (formerly Invitae), Labcorp
Classification: Uncertain significance. Last evaluated: 2022-04-20. Review status: criteria provided, single submitter. Criteria: Invitae Variant Classification Sherloc (09022015). Collection method: clinical testing. Allele origin: germline.
Comment: Experimental studies and prediction algorithms are not available or were not evaluated, and the effect of this variant on mRNA splicing is currently unknown. In summary, the available evidence is currently insufficient to determine the role of this variant in disease. Therefore, it has been classified as a Variant of Uncertain Significance. This variant has not been reported in the literature in individuals affected with HYOU1-related conditions. This variant is not present in population databases (gnomAD no frequency). This sequence change falls in intron 14 of the HYOU1 gene. It does not directly change the encoded amino acid sequence of the HYOU1 protein.

NM_006389.5(HYOU1):c.1665+14_1665+17dup

Gene: HYOU1 (hypoxia up-regulated 1; minus strand). Cytogenetic location: 11q23.3.
Variant type: Duplication.
Coding change: c.1665+14_1665+17dup on transcript NM_006389.5 (MANE Select); bases 14 to 17 of the intron after coding-DNA position 1665, 4 bases duplicated (GATA; older notation c.1665+14_1665+17dupGATA).
Molecular consequence: intron variant.
Genome position (GRCh38, 1-based): chr11:119,051,018-119,051,021, TATC duplicated on the plus strand (GATA on the coding strand, the reverse complement: HYOU1 is on the minus strand). VCF-style (leftmost placement, unchanged base first): chr11-119051017-G-GTATC. GRCh37 (hg19) VCF-style: chr11-118921729-G-GTATC.
Other names: c.1665+14_1665+17dup (NM_001130991.3).
Identifiers: ClinVar variation 1915668 (VCV001915668.5), dbSNP rs2497153623, ClinGen allele CA2580083605.